The following is an entry in ClinVar:

ClinVar aggregate classification (germline): Uncertain significance (1 of 4 stars; one submission).

Conditions:
Hereditary hyperferritinemia with congenital cataracts. Also called: Hereditary hyperferritinemia cataract syndrome; Bonneau-Beaumont syndrome; HYPERFERRITINEMIA WITH OR WITHOUT CATARACT. Identifiers: Orphanet 163, MedGen C1833213, MONDO:0010952, OMIM 600886.
Neuroferritinopathy (NBIA3). Also called: NEURODEGENERATION WITH BRAIN IRON ACCUMULATION 3; BASAL GANGLIA DISEASE, ADULT-ONSET. Identifiers: Orphanet 157846, MedGen C1853578, MONDO:0011638, OMIM 606159.

Submission:

Labcorp Genetics (formerly Invitae), Labcorp
Classification: Uncertain significance for Neuroferritinopathy; Hereditary hyperferritinemia with congenital cataracts. Last evaluated: 2023-04-13. Review status: criteria provided, single submitter. Criteria: Invitae Variant Classification Sherloc (09022015). Collection method: clinical testing. Allele origin: germline.
Comment: In summary, the available evidence is currently insufficient to determine the role of this variant in disease. Therefore, it has been classified as a Variant of Uncertain Significance. An algorithm developed to predict the effect of missense changes on protein structure and function (PolyPhen-2) suggests that this variant is likely to be disruptive. This variant has not been reported in the literature in individuals affected with FTL-related conditions. This variant is not present in population databases (gnomAD no frequency). This sequence change replaces glutamic acid, which is acidic and polar, with lysine, which is basic and polar, at codon 131 of the FTL protein (p.Glu131Lys).

NM_000146.4(FTL):c.391G>A (p.Glu131Lys)

Gene: FTL (ferritin light chain; plus strand). Cytogenetic location: 19q13.33.
Variant type: single nucleotide variant.
Coding change: c.391G>A on transcript NM_000146.4 (MANE Select); coding-DNA position 391, G replaced by A.
Protein change: p.Glu131Lys; replaces glutamic acid 131 with lysine.
Molecular consequence: missense variant.
Genome position (GRCh38, 1-based): chr19:48,966,598, G>A. VCF-style: chr19-48966598-G-A. GRCh37 (hg19) VCF-style: chr19-49469855-G-A.
Other names: short protein forms E131K.
Identifiers: ClinVar variation 2946401 (VCV002946401.3), dbSNP rs2513696258, ClinGen allele CA406757151.